The following is an entry in ClinVar:

ClinVar aggregate classification (germline): Uncertain significance (1 of 4 stars; one submission).

Allele frequency attached by ClinVar (database versions not stated): gnomAD exomes below 0.00001; ExAC 0.00004.
gnomAD v4.1: 6 of 1,577,732 alleles (0.00038%); highest among the groups gnomAD compares: East Asian, 0.009%; no homozygotes.

Submission:

Women's Health and Genetics/Laboratory Corporation of America, LabCorp
Classification: Uncertain significance. Last evaluated: 2023-10-23. Review status: criteria provided, single submitter. Criteria: LabCorp Variant Classification Summary - May 2015. Collection method: clinical testing. Allele origin: germline.
Comment: Variant summary: CFTR c.2971A>G (p.Ile991Val) results in a conservative amino acid change located in the ABC transporter type 1, transmembrane domain (IPR011527) of the encoded protein sequence. Four of five in-silico tools predict a benign effect of the variant on protein function. The variant allele was found at a frequency of 2.4e-05 in 251142 control chromosomes (gnomAD). The available data on variant occurrences in the general population are insufficient to allow any conclusion about variant significance. c.2971A>G has been reported in the literature in an individual affected with sarcoidosis (example: Bombieri_2003). This report does not provide unequivocal conclusions about association of the variant with Cystic Fibrosis. To our knowledge, no experimental evidence demonstrating an impact on protein function has been reported. The following publication has been ascertained in the context of this evaluation (PMID: 12891373). No submitters have cited clinical-significance assessments for this variant to ClinVar after 2014. Based on the evidence outlined above, the variant was classified as uncertain significance.

Literature cited by the submitters: PubMed 12891373.

NM_000492.4(CFTR):c.2971A>G (p.Ile991Val)

Genes: CFTR (CF transmembrane conductance regulator; plus strand), CFTR-AS2 (CFTR antisense RNA 2; minus strand). Cytogenetic location: 7q31.2.
Variant type: single nucleotide variant.
Coding change: c.2971A>G on transcript NM_000492.4 (MANE Select); coding-DNA position 2971, A replaced by G.
Protein change: p.Ile991Val; replaces isoleucine 991 with valine.
Molecular consequence: missense variant.
Genome position (GRCh38, 1-based): chr7:117,606,736, A>G. VCF-style: chr7-117606736-A-G. GRCh37 (hg19) VCF-style: chr7-117246790-A-G.
Other names: short protein forms I991V.
Identifiers: ClinVar variation 2637856 (VCV002637856.1), dbSNP rs778858736, ClinGen allele CA4451339.
Genomic context (GRCh38, chr7:117,606,736, plus strand): 5'-GGGATTCTTAATAGATTCTCCAAAGATATAGCAATTTTGGATGACCTTCTGCCTCTTACC[A>G]TATTTGACTTCATCCAGGTATGTAAAAATAAGTACCGTTAAGTATGTCTGTATTATTAAA-3'
Protein context (NP_000483.3, residues 981-1001): AILDDLLPLT[Ile991Val]FDFIQLLLIV